The following is an entry in ClinVar:

NM_002478.5(MYOD1):c.240T>C (p.His80=)

Gene: MYOD1 (myogenic differentiation 1; plus strand). Cytogenetic location: 11p15.1.
Variant type: single nucleotide variant.
Coding change: c.240T>C on transcript NM_002478.5 (MANE Select); coding-DNA position 240, T replaced by C.
Protein change: p.His80=; no amino-acid change (histidine 80 retained).
Molecular consequence: synonymous variant.
Genome position (GRCh38, 1-based): chr11:17,720,022, T>C. VCF-style: chr11-17720022-T-C. GRCh37 (hg19) VCF-style: chr11-17741569-T-C.
Identifiers: ClinVar variation 4681514 (VCV004681514.5).

ClinVar aggregate classification (germline): Likely benign (1 of 4 stars; one submission).

Submission:

CeGaT Center for Human Genetics Tuebingen
Classification: Likely benign. Last evaluated: 2025-12-01. Review status: criteria provided, single submitter. Criteria: CeGaT Center For Human Genetics Tuebingen Variant Classification Criteria Version 2. Collection method: clinical testing. Allele origin: germline. Affected: yes. Observed: 1 variant allele.
Comment: MYOD1: BP4, BP7